The following is an entry in ClinVar:

NM_001283009.2(RTEL1):c.3109+2T>G

Genes: RTEL1 (regulator of telomere elongation helicase 1; plus strand), RTEL1-TNFRSF6B (RTEL1-TNFRSF6B readthrough (NMD candidate); plus strand). Cytogenetic location: 20q13.33.
Variant type: single nucleotide variant.
Coding change: c.3109+2T>G on transcript NM_001283009.2 (MANE Select); the canonical splice donor site of the intron after coding-DNA position 3109, T replaced by G.
Molecular consequence: splice donor variant.
Genome position (GRCh38, 1-based): chr20:63,694,490, T>G. VCF-style: chr20-63694490-T-G. GRCh37 (hg19) VCF-style: chr20-62325843-T-G.
Other names: c.2440+2T>G (NM_001283010.1); c.3181+2T>G (NM_032957.5); c.3109+2T>G (NM_016434.4).
Identifiers: ClinVar variation 2113543 (VCV002113543.4), dbSNP rs2517194487, ClinGen allele CA409684744.

ClinVar aggregate classification (germline): Likely pathogenic (1 of 4 stars; one submission).

Conditions:
Pulmonary fibrosis and/or bone marrow failure, Telomere-related, 3. Also called: PULMONARY FIBROSIS AND/OR BONE MARROW FAILURE SYNDROME, TELOMERE-RELATED, 3. Identifiers: Orphanet 2032, MedGen C4225346, MONDO:0014613, OMIM 616373.
Dyskeratosis congenita, autosomal recessive 5 (DKCB5). Identifiers: MedGen C3554656, MONDO:0014076, OMIM 615190.

Submission:

Labcorp Genetics (formerly Invitae), Labcorp
Classification: Likely pathogenic for Dyskeratosis congenita, autosomal recessive 5; Pulmonary fibrosis and/or bone marrow failure, Telomere-related, 3. Last evaluated: 2022-03-18. Review status: criteria provided, single submitter. Criteria: Invitae Variant Classification Sherloc (09022015). Collection method: clinical testing. Allele origin: germline.
Comment: This sequence change affects a donor splice site in intron 31 of the RTEL1 gene. It is expected to disrupt RNA splicing. Variants that disrupt the donor or acceptor splice site typically lead to a loss of protein function (PMID: 16199547), and loss-of-function variants in RTEL1 are known to be pathogenic (PMID: 23453664, 23959892, 25607374). This variant is not present in population databases (gnomAD no frequency). This variant has not been reported in the literature in individuals affected with RTEL1-related conditions. Algorithms developed to predict the effect of sequence changes on RNA splicing suggest that this variant may disrupt the consensus splice site. In summary, the currently available evidence indicates that the variant is pathogenic, but additional data are needed to prove that conclusively. Therefore, this variant has been classified as Likely Pathogenic.

Literature cited by the submitters: PubMed 16199547; PubMed 23453664; PubMed 23959892; PubMed 25607374.